The following is an entry in ClinVar:

ClinVar aggregate classification (germline): Uncertain significance (1 of 4 stars; one submission).

Allele frequency attached by ClinVar (database versions not stated): ExAC 0.00001; gnomAD 0.00002; gnomAD exomes 0.00002; TOPMed 0.00002.
gnomAD v4.1: 33 of 1,610,282 alleles (0.002%); highest among the groups gnomAD compares: Non-Finnish European, 0.0027%; no homozygotes.

Submission:

Greenwood Genetic Center Diagnostic Laboratories, Greenwood Genetic Center
Classification: Uncertain significance. Last evaluated: 2022-09-06. Review status: criteria provided, single submitter. Criteria: ACMG Guidelines, 2015. Collection method: clinical testing. Allele origin: germline. Affected: yes.
Comment: PM2, PP2

NM_004667.6(HERC2):c.9431T>C (p.Met3144Thr)

Gene: HERC2 (HECT and RLD domain containing E3 ubiquitin protein ligase 2; minus strand). Cytogenetic location: 15q13.1.
Variant type: single nucleotide variant.
Coding change: c.9431T>C on transcript NM_004667.6 (MANE Select); coding-DNA position 9431, T replaced by C.
Protein change: p.Met3144Thr; replaces methionine 3144 with threonine.
Molecular consequence: missense variant.
Genome position (GRCh38, 1-based): chr15:28,176,951, A>G on the plus strand (T>C on the coding strand, the complement: HERC2 is on the minus strand). VCF-style: chr15-28176951-A-G. GRCh37 (hg19) VCF-style: chr15-28422097-A-G.
Other names: short protein forms M3144T.
Identifiers: ClinVar variation 1710390 (VCV001710390.3), dbSNP rs760936263, ClinGen allele CA7441168.